The following is an entry in ClinVar:

NM_000075.4(CDK4):c.617A>C (p.Glu206Ala)

Gene: CDK4 (cyclin dependent kinase 4; minus strand). Cytogenetic location: 12q14.1.
Variant type: single nucleotide variant.
Coding change: c.617A>C on transcript NM_000075.4 (MANE Select); coding-DNA position 617, A replaced by C.
Protein change: p.Glu206Ala; replaces glutamic acid 206 with alanine.
Molecular consequence: missense variant.
Genome position (GRCh38, 1-based): chr12:57,750,671, T>G on the plus strand (A>C on the coding strand, the complement: CDK4 is on the minus strand). VCF-style: chr12-57750671-T-G. GRCh37 (hg19) VCF-style: chr12-58144454-T-G.
Other names: short protein forms E206A.
Identifiers: ClinVar variation 4824891 (VCV004824891.1).

ClinVar aggregate classification (germline): Uncertain significance (1 of 4 stars; one submission).

Conditions:
Hereditary cancer-predisposing syndrome. Also called: Neoplastic Syndromes, Hereditary; Tumor predisposition; Hereditary Cancer Syndrome; Hereditary neoplastic syndrome. Identifiers: Orphanet 140162, MedGen C0027672, MeSH D009386, MONDO:0015356.

Submission:

Ambry Genetics
Classification: Uncertain significance for Hereditary cancer-predisposing syndrome. Last evaluated: 2026-01-20. Review status: criteria provided, single submitter. Criteria: Ambry Variant Classification Scheme 2023. Collection method: clinical testing. Allele origin: germline.
Comment: The p.E206A variant (also known as c.617A>C), located in coding exon 4 of the CDK4 gene, results from an A to C substitution at nucleotide position 617. The glutamic acid at codon 206 is replaced by alanine, an amino acid with dissimilar properties. This amino acid position is highly conserved in available vertebrate species. In addition, this alteration is predicted to be deleterious by in silico analysis. Based on the available evidence, the clinical significance of this variant remains unclear.